The following is an entry in ClinVar:

ClinVar aggregate classification (germline): Uncertain significance (1 of 4 stars; one submission).

Submission:

GeneDx
Classification: Uncertain significance. Last evaluated: 2026-03-31. Review status: criteria provided, single submitter. Criteria: GeneDx Variant Classification Process June 2021. Collection method: clinical testing. Allele origin: germline.
Comment: Not observed at significant frequency in large population cohorts (gnomAD); In silico analysis supports that this missense variant has a deleterious effect on protein structure/function; Has not been previously published as pathogenic or benign to our knowledge

NM_002764.4(PRPS1):c.907A>T (p.Thr303Ser)

Gene: PRPS1 (phosphoribosyl pyrophosphate synthetase 1; plus strand). Cytogenetic location: Xq22.3.
Variant type: single nucleotide variant.
Coding change: c.907A>T on transcript NM_002764.4 (MANE Select); coding-DNA position 907, A replaced by T.
Protein change: p.Thr303Ser; replaces threonine 303 with serine.
Molecular consequence: missense variant.
Genome position (GRCh38, 1-based): chrX:107,649,982, A>T. VCF-style: chrX-107649982-A-T. GRCh37 (hg19) VCF-style: chrX-106893212-A-T.
Other names: c.295A>T, p.Thr99Ser (NM_001204402.2); short protein forms T303S, T99S.
Identifiers: ClinVar variation 5017636 (VCV005017636.1).